The following is an entry in ClinVar:

ClinVar aggregate classification (germline): Uncertain significance (1 of 4 stars; one submission).

Conditions:
Hereditary cancer-predisposing syndrome. Also called: Hereditary Cancer Syndrome; Tumor predisposition; Hereditary neoplastic syndrome; Neoplastic Syndromes, Hereditary. Identifiers: Orphanet 140162, MedGen C0027672, MeSH D009386, MONDO:0015356.

Submission:

Ambry Genetics
Classification: Uncertain significance for Hereditary cancer-predisposing syndrome. Last evaluated: 2024-06-12. Review status: criteria provided, single submitter. Criteria: Ambry Variant Classification Scheme 2023. Collection method: clinical testing. Allele origin: germline.
Comment: The p.E683K variant (also known as c.2047G>A), located in coding exon 7 of the BLM gene, results from a G to A substitution at nucleotide position 2047. The glutamic acid at codon 683 is replaced by lysine, an amino acid with similar properties. This amino acid position is conserved. In addition, the in silico prediction for this alteration is inconclusive. Based on the available evidence, the clinical significance of this variant remains unclear.

NM_000057.4(BLM):c.2047G>A (p.Glu683Lys)

Gene: BLM (BLM RecQ like helicase; plus strand). Cytogenetic location: 15q26.1.
Variant type: single nucleotide variant.
Coding change: c.2047G>A on transcript NM_000057.4 (MANE Select); coding-DNA position 2047, G replaced by A.
Protein change: p.Glu683Lys; replaces glutamic acid 683 with lysine.
Molecular consequence: missense variant.
Genome position (GRCh38, 1-based): chr15:90,763,130, G>A. VCF-style: chr15-90763130-G-A. GRCh37 (hg19) VCF-style: chr15-91306360-G-A.
Other names: c.2047G>A, p.Glu683Lys (NM_001287246.2, NM_001287247.2); c.922G>A, p.Glu308Lys (NM_001287248.2); short protein forms E683K, E308K.
Identifiers: ClinVar variation 3261052 (VCV003261052.1).